The following is an entry in ClinVar:

NM_000051.4(ATM):c.2501A>T (p.Glu834Val)

Gene: ATM (ATM serine/threonine kinase; plus strand). Cytogenetic location: 11q22.3.
Variant type: single nucleotide variant.
Coding change: c.2501A>T on transcript NM_000051.4 (MANE Select); coding-DNA position 2501, A replaced by T.
Protein change: p.Glu834Val; replaces glutamic acid 834 with valine.
Molecular consequence: missense variant.
Genome position (GRCh38, 1-based): chr11:108,267,205, A>T. VCF-style: chr11-108267205-A-T. GRCh37 (hg19) VCF-style: chr11-108137932-A-T.
Other names: p.E834V:GAA>GTA; c.2501A>T, p.Glu834Val (NM_001351834.2); short protein forms E834V.
Identifiers: ClinVar variation 181931 (VCV000181931.28), dbSNP rs730881349, ClinGen allele CA298173.

ClinVar aggregate classification (germline): Uncertain significance. Review status: criteria provided, multiple submitters, no conflicts (2 of 4 stars). 7 submissions from 7 submitters: Uncertain significance (6). 1 of the submissions does not count toward it. Last evaluated 2025-06-18.

Conditions:
Hereditary cancer-predisposing syndrome. Also called: Tumor predisposition; Hereditary Cancer Syndrome; Hereditary neoplastic syndrome; Neoplastic Syndromes, Hereditary. Identifiers: Orphanet 140162, MedGen C0027672, MeSH D009386, MONDO:0015356.
Familial cancer of breast. Also called: BREAST CANCER, FAMILIAL; hereditary breast carcinoma; Hereditary breast cancer. Identifiers: Orphanet 227535, MedGen C0346153, MONDO:0016419, OMIM 114480. Disease mechanism: loss of function.
Ataxia-telangiectasia syndrome (AT). Also called: LOUIS-BAR SYNDROME; Cerebello-oculocutaneous telangiectasia; Immunodeficiency with ataxia telangiectasia; ATAXIA-TELANGIECTASIA, COMPLEMENTATION GROUP A; ATAXIA-TELANGIECTASIA, FRESNO VARIANT; Ataxia-telangiectasia. Identifiers: Orphanet 100, MedGen C0004135, MONDO:0008840, OMIM 208900.

Allele frequency attached by ClinVar (database versions not stated): TOPMed below 0.00001; gnomAD 0.00001.
gnomAD v4.1: 2 of 1,614,026 alleles (0.00012%); highest among the groups gnomAD compares: Non-Finnish European, 0.00017%; no homozygotes.

Submissions (7):

Labcorp Genetics (formerly Invitae), Labcorp
Classification: Uncertain significance for Ataxia-telangiectasia syndrome. Last evaluated: 2025-06-18. Review status: criteria provided, single submitter. Criteria: Invitae Variant Classification Sherloc (09022015). Collection method: clinical testing. Allele origin: germline.
Comment: This sequence change replaces glutamic acid, which is acidic and polar, with valine, which is neutral and non-polar, at codon 834 of the ATM protein (p.Glu834Val). This variant is present in population databases (rs730881349, gnomAD 0.0009%). This variant has not been reported in the literature in individuals affected with ATM-related conditions. ClinVar contains an entry for this variant (Variation ID: 181931). Invitae Evidence Modeling of protein sequence and biophysical properties (such as structural, functional, and spatial information, amino acid conservation, physicochemical variation, residue mobility, and thermodynamic stability) indicates that this missense variant is not expected to disrupt ATM protein function with a negative predictive value of 95%. In summary, the available evidence is currently insufficient to determine the role of this variant in disease. Therefore, it has been classified as a Variant of Uncertain Significance.

Color Diagnostics, LLC DBA Color Health
Classification: Uncertain significance for Hereditary cancer-predisposing syndrome. Last evaluated: 2024-03-06. Review status: criteria provided, single submitter. Criteria: ACMG Guidelines, 2015. Collection method: clinical testing. Allele origin: germline.
Comment: This missense variant replaces glutamic acid with valine at codon 834 of the ATM protein. Computational prediction suggests that this variant may not impact protein structure and function (internally defined REVEL score threshold <= 0.5, PMID: 27666373). To our knowledge, functional studies have not been reported for this variant. This variant has not been reported in individuals affected with hereditary cancer in the literature. This variant has been identified in 1/251414 chromosomes in the general population by the Genome Aggregation Database (gnomAD). The available evidence is insufficient to determine the role of this variant in disease conclusively. Therefore, this variant is classified as a Variant of Uncertain Significance.

Ambry Genetics
Classification: Uncertain significance for Hereditary cancer-predisposing syndrome. Last evaluated: 2023-10-05. Review status: criteria provided, single submitter. Criteria: Ambry Variant Classification Scheme 2023. Collection method: clinical testing. Allele origin: germline.
Comment: The p.E834V variant (also known as c.2501A>T), located in coding exon 16 of the ATM gene, results from an A to T substitution at nucleotide position 2501. The glutamic acid at codon 834 is replaced by valine, an amino acid with dissimilar properties. This amino acid position is well conserved in available vertebrate species. In addition, this alteration is predicted to be tolerated by in silico analysis. Since supporting evidence is limited at this time, the clinical significance of this alteration remains unclear.

Baylor Genetics
Classification: Uncertain significance for Familial cancer of breast. Last evaluated: 2023-09-24. Review status: criteria provided, single submitter. Criteria: ACMG Guidelines, 2015. Collection method: clinical testing. Allele origin: unknown.

Athena Diagnostics
Classification: Uncertain significance. Last evaluated: 2022-10-18. Review status: criteria provided, single submitter. Criteria: Athena Diagnostics Criteria. Collection method: clinical testing. Allele origin: unknown.
Comment: Available data are insufficient to determine the clinical significance of the variant at this time. The frequency of this variant in the general population is uninformative in assessment of its pathogenicity. Computational tools predict that this variant is not damaging.

GeneDx
Classification: Uncertain significance. Last evaluated: 2018-05-06. Review status: criteria provided, single submitter. Criteria: GeneDx Variant Classification (06012015). Collection method: clinical testing. Allele origin: germline. Affected: yes.
Comment: This variant is denoted ATM c.2501A>T at the cDNA level, p.Glu834Val (E834V) at the protein level, and results in the change of a Glutamic Acid to a Valine (GAA>GTA). This variant has not, to our knowledge, been published in the literature as pathogenic or benign. ATM Glu834Val was not observed at a significant allele frequency in large population cohorts (Lek 2016). ATM Glu834Val is not located in a known functional domain. In silico analysis, which includes protein predictors and evolutionary conservation, supports that this variant does not alter protein structure/function. Based on currently available evidence, it is unclear whether ATM Glu834Val is a pathogenic or benign variant. We consider it to be a variant of uncertain significance.

Natera, Inc.
Classification: Uncertain significance for Ataxia-telangiectasia. Last evaluated: 2021-03-17. Review status: no assertion criteria provided. Collection method: clinical testing. Allele origin: germline. Not counted in ClinVar's aggregate classification.